The following is an entry in ClinVar:

ClinVar aggregate classification (germline): Uncertain significance. Review status: criteria provided, multiple submitters, no conflicts (2 of 4 stars). 2 submissions from 2 submitters: Uncertain significance (2). Last evaluated 2025-06-30.

Conditions:
Exostoses, multiple, type 2 (EXT2). Also called: EXOSTOSES, MULTIPLE, TYPE II; Hereditary Multiple Osteochondromatosis, Type II. Identifiers: Orphanet 321, MedGen C1851413, MONDO:0007586, OMIM 133701.

Allele frequency attached by ClinVar (database versions not stated): gnomAD 0.00001.
gnomAD v4.1: 15 of 1,614,088 alleles (0.00093%); highest among the groups gnomAD compares: East Asian, 0.0045%; no homozygotes.

Submissions (2):

Labcorp Genetics (formerly Invitae), Labcorp
Classification: Uncertain significance for Exostoses, multiple, type 2. Last evaluated: 2025-06-30. Review status: criteria provided, single submitter. Criteria: Invitae Variant Classification Sherloc (09022015). Collection method: clinical testing. Allele origin: germline.
Comment: This sequence change replaces aspartic acid, which is acidic and polar, with asparagine, which is neutral and polar, at codon 74 of the EXT2 protein (p.Asp74Asn). This variant is not present in population databases (gnomAD no frequency). This variant has not been reported in the literature in individuals affected with EXT2-related conditions. ClinVar contains an entry for this variant (Variation ID: 2675225). Invitae Evidence Modeling of protein sequence and biophysical properties (such as structural, functional, and spatial information, amino acid conservation, physicochemical variation, residue mobility, and thermodynamic stability) indicates that this missense variant is not expected to disrupt EXT2 protein function with a negative predictive value of 95%. In summary, the available evidence is currently insufficient to determine the role of this variant in disease. Therefore, it has been classified as a Variant of Uncertain Significance.

Baylor Genetics
Classification: Uncertain significance for Exostoses, multiple, type 2. Last evaluated: 2024-03-07. Review status: criteria provided, single submitter. Criteria: ACMG Guidelines, 2015. Collection method: clinical testing. Allele origin: unknown.

NM_207122.2(EXT2):c.220G>A (p.Asp74Asn)

Gene: EXT2 (exostosin glycosyltransferase 2; plus strand). Cytogenetic location: 11p11.2.
Variant type: single nucleotide variant.
Coding change: c.220G>A on transcript NM_207122.2 (MANE Select); coding-DNA position 220, G replaced by A.
Protein change: p.Asp74Asn; replaces aspartic acid 74 with asparagine.
Molecular consequence: missense variant.
Genome position (GRCh38, 1-based): chr11:44,107,932, G>A. VCF-style: chr11-44107932-G-A. GRCh37 (hg19) VCF-style: chr11-44129482-G-A.
Other names: c.319G>A, p.Asp107Asn (NM_000401.3); c.220G>A, p.Asp74Asn (NM_001178083.3, NM_001389628.1, NM_001389630.1); short protein forms D107N, D74N.
Identifiers: ClinVar variation 2675225 (VCV002675225.5), dbSNP rs759924417, ClinGen allele CA380179874.